The following is an entry in ClinVar:

ClinVar aggregate classification (germline): Uncertain significance (1 of 4 stars; one submission).

Conditions:
Hearing impairment. Also called: Impaired Hearing. Identifiers: MedGen C1384666, MONDO:0005365, HP:0000365.

Allele frequency attached by ClinVar (database versions not stated): TOPMed below 0.00001; gnomAD 0.00001.
gnomAD v4.1: 2 of 1,612,272 alleles (0.00012%); highest among the groups gnomAD compares: Non-Finnish European, 0.00017%; no homozygotes.

Submission:

Department of Otolaryngology – Head & Neck Surgery, Cochlear Implant Center
Classification: Uncertain significance for Hearing impairment. Last evaluated: 2021-04-12. Review status: criteria provided, single submitter. Criteria: ClinGen HL ACMG Specifications v1. Collection method: clinical testing. Allele origin: germline. Affected: yes.
Comment: PM2_Moderate

NM_153676.4(USH1C):c.893T>C (p.Met298Thr)

Gene: USH1C (USH1 protein network component harmonin; minus strand). Cytogenetic location: 11p15.1.
Variant type: single nucleotide variant.
Coding change: c.893T>C on transcript NM_153676.4 (MANE Select); coding-DNA position 893, T replaced by C.
Protein change: p.Met298Thr; replaces methionine 298 with threonine.
Molecular consequence: missense variant. On other transcripts: non-coding transcript variant (1).
Genome position (GRCh38, 1-based): chr11:17,522,910, A>G on the plus strand (T>C on the coding strand, the complement: USH1C is on the minus strand). VCF-style: chr11-17522910-A-G. GRCh37 (hg19) VCF-style: chr11-17544457-A-G.
Other names: c.836T>C, p.Met279Thr (NM_001297764.2); c.893T>C, p.Met298Thr (NM_005709.4); short protein forms M279T, M298T.
Identifiers: ClinVar variation 1065002 (VCV001065002.3), dbSNP rs1461497965, ClinGen allele CA379788401.
Genomic context (GRCh38, chr11:17,522,910, plus strand): 5'-AGAAGCTCCTGCCGCTGCAGCTCACGCTGCCGCGCCTCTGCCAGCCGCTCCCGGTCTGTC[A>G]TGAACAGCTCCCGGCCCTCATGGGAGAAAAGAGGCCCCTTGCTCAGCCCCCGGGGAACCT-3'
Protein context (NP_710142.1, residues 288-308): IVAAAGRELF[Met298Thr]TDRERLAEAR